The following is an entry in ClinVar:

NM_000245.4(MET):c.2144C>A (p.Thr715Asn)

Gene: MET (MET proto-oncogene, receptor tyrosine kinase; plus strand). Cytogenetic location: 7q31.2.
Variant type: single nucleotide variant.
Coding change: c.2144C>A on transcript NM_000245.4 (MANE Select); coding-DNA position 2144, C replaced by A.
Protein change: p.Thr715Asn; replaces threonine 715 with asparagine.
Molecular consequence: missense variant.
Genome position (GRCh38, 1-based): chr7:116,758,500, C>A. VCF-style: chr7-116758500-C-A. GRCh37 (hg19) VCF-style: chr7-116398554-C-A.
Other names: c.2144C>A, p.Thr715Asn (NM_001127500.3, NM_001324401.3); c.854C>A, p.Thr285Asn (NM_001324402.2); short protein forms T715N, T285N.
Identifiers: ClinVar variation 454207 (VCV000454207.10), dbSNP rs1554395680, ClinGen allele CA368980521.

ClinVar aggregate classification (germline): Uncertain significance (1 of 4 stars; one submission).

Conditions:
Renal cell carcinoma. Identifiers: Orphanet 217071, MedGen C0007134, MeSH D002292, MONDO:0005086, HP:0005584.

Submission:

Labcorp Genetics (formerly Invitae), Labcorp
Classification: Uncertain significance for Renal cell carcinoma. Last evaluated: 2023-10-25. Review status: criteria provided, single submitter. Criteria: Invitae Variant Classification Sherloc (09022015). Collection method: clinical testing. Allele origin: germline.
Comment: This sequence change replaces threonine, which is neutral and polar, with asparagine, which is neutral and polar, at codon 715 of the MET protein (p.Thr715Asn). This variant is not present in population databases (gnomAD no frequency). This variant has not been reported in the literature in individuals affected with MET-related conditions. ClinVar contains an entry for this variant (Variation ID: 454207). Algorithms developed to predict the effect of missense changes on protein structure and function output the following: SIFT: "Not Available"; PolyPhen-2: "Benign"; Align-GVGD: "Not Available". The asparagine amino acid residue is found in multiple mammalian species, which suggests that this missense change does not adversely affect protein function. In summary, the available evidence is currently insufficient to determine the role of this variant in disease. Therefore, it has been classified as a Variant of Uncertain Significance.